The following is an entry in ClinVar:

NM_000204.5(CFI):c.504G>C (p.Arg168Ser)

Gene: CFI (complement factor I; minus strand). Cytogenetic location: 4q25.
Variant type: single nucleotide variant.
Coding change: c.504G>C on transcript NM_000204.5 (MANE Select); coding-DNA position 504, G replaced by C.
Protein change: p.Arg168Ser; replaces arginine 168 with serine.
Molecular consequence: missense variant. On other transcripts: 5 prime UTR variant (1), non-coding transcript variant (3).
Genome position (GRCh38, 1-based): chr4:109,761,671, C>G on the plus strand (G>C on the coding strand, the complement: CFI is on the minus strand). VCF-style: chr4-109761671-C-G. GRCh37 (hg19) VCF-style: chr4-110682827-C-G.
Other names: c.504G>C, p.Arg168Ser (NM_001318057.2, NM_001331035.2, NM_001375278.1 and 5 more transcripts); c.-106G>C (NM_001375284.1); short protein forms R168S.
Identifiers: ClinVar variation 2140131 (VCV002140131.4), dbSNP rs143168498, ClinGen allele CA357863062.

ClinVar aggregate classification (germline): Uncertain significance (1 of 4 stars; one submission).

gnomAD v4.1: 8 of 1,612,710 alleles (0.0005%); highest among the groups gnomAD compares: African/African-American, 0.0013%; no homozygotes.

Submission:

Labcorp Genetics (formerly Invitae), Labcorp
Classification: Uncertain significance. Last evaluated: 2024-08-28. Review status: criteria provided, single submitter. Criteria: Invitae Variant Classification Sherloc (09022015). Collection method: clinical testing. Allele origin: germline.
Comment: This sequence change replaces arginine, which is basic and polar, with serine, which is neutral and polar, at codon 168 of the CFI protein (p.Arg168Ser). This variant is present in population databases (no rsID available, gnomAD 0.0009%). This variant has not been reported in the literature in individuals affected with CFI-related conditions. ClinVar contains an entry for this variant (Variation ID: 2140131). Invitae Evidence Modeling of protein sequence and biophysical properties (such as structural, functional, and spatial information, amino acid conservation, physicochemical variation, residue mobility, and thermodynamic stability) indicates that this missense variant is not expected to disrupt CFI protein function with a negative predictive value of 95%. In summary, the available evidence is currently insufficient to determine the role of this variant in disease. Therefore, it has been classified as a Variant of Uncertain Significance.